The following is an entry in ClinVar:

NM_018136.5(ASPM):c.5302C>T (p.Arg1768Trp)

Gene: ASPM (assembly factor for spindle microtubules; minus strand). Cytogenetic location: 1q31.3.
Variant type: single nucleotide variant.
Coding change: c.5302C>T on transcript NM_018136.5 (MANE Select); coding-DNA position 5302, C replaced by T.
Protein change: p.Arg1768Trp; replaces arginine 1768 with tryptophan.
Molecular consequence: missense variant. On other transcripts: intron variant (1).
Genome position (GRCh38, 1-based): chr1:197,103,949, G>A on the plus strand (C>T on the coding strand, the complement: ASPM is on the minus strand). VCF-style: chr1-197103949-G-A. GRCh37 (hg19) VCF-style: chr1-197073079-G-A.
Other names: c.5302C>T (NM_018136.4); c.4066-7785C>T (NM_001206846.2); short protein forms R1768W.
Identifiers: ClinVar variation 497240 (VCV000497240.13), dbSNP rs770335356, ClinGen allele CA1309781.

ClinVar aggregate classification (germline): Uncertain significance. Review status: criteria provided, multiple submitters, no conflicts (2 of 4 stars). 6 submissions from 6 submitters: Uncertain significance (6). Last evaluated 2025-08-20.

Conditions:
Inborn genetic diseases. Identifiers: MedGen C0950123, MeSH D030342.
Microcephaly 5, primary, autosomal recessive (MCPH5). Also called: ASPM Primary Microcephaly. Identifiers: Orphanet 2512, MedGen C1837501, MONDO:0012106, OMIM 608716.

Allele frequency attached by ClinVar (database versions not stated): gnomAD 0.00003 and 0.00004; gnomAD exomes 0.00003 and 0.00012; TOPMed 0.00005; ExAC 0.00007.
gnomAD v4.1: 53 of 1,612,328 alleles (0.0033%); highest among the groups gnomAD compares: Admixed American, 0.057%; 1 homozygote.

Submissions (6):

Labcorp Genetics (formerly Invitae), Labcorp
Classification: Uncertain significance. Last evaluated: 2025-08-20. Review status: criteria provided, single submitter. Criteria: Invitae Variant Classification Sherloc (09022015). Collection method: clinical testing. Allele origin: germline.
Comment: This sequence change replaces arginine, which is basic and polar, with tryptophan, which is neutral and slightly polar, at codon 1768 of the ASPM protein (p.Arg1768Trp). This variant is present in population databases (rs770335356, gnomAD 0.09%). This variant has not been reported in the literature in individuals affected with ASPM-related conditions. ClinVar contains an entry for this variant (Variation ID: 497240). Invitae Evidence Modeling of protein sequence and biophysical properties (such as structural, functional, and spatial information, amino acid conservation, physicochemical variation, residue mobility, and thermodynamic stability) has been performed for this missense variant. However, the output from this modeling did not meet the statistical confidence thresholds required to predict the impact of this variant on ASPM protein function. In summary, the available evidence is currently insufficient to determine the role of this variant in disease. Therefore, it has been classified as a Variant of Uncertain Significance.

Ambry Genetics
Classification: Uncertain significance for Inborn genetic diseases. Last evaluated: 2024-11-20. Review status: criteria provided, single submitter. Criteria: Ambry Variant Classification Scheme 2023. Collection method: clinical testing. Allele origin: germline.

Women's Health and Genetics/Laboratory Corporation of America, LabCorp
Classification: Uncertain significance. Last evaluated: 2023-09-26. Review status: criteria provided, single submitter. Criteria: LabCorp Variant Classification Summary - May 2015. Collection method: clinical testing. Allele origin: germline.
Comment: Variant summary: ASPM c.5302C>T (p.Arg1768Trp) results in a non-conservative amino acid change in the encoded protein sequence. Four of five in-silico tools predict a damaging effect of the variant on protein function. The variant allele was found at a frequency of 0.00012 in 250236 control chromosomes (gnomAD). To our knowledge, no occurrence of c.5302C>T in individuals affected with Primary microcephaly and no experimental evidence demonstrating its impact on protein function have been reported. Three submitters have cited clinical-significance assessments for this variant to ClinVar after 2014. All submitters classified the variant as uncertain significance. Based on the evidence outlined above, the variant was classified as uncertain significance.

Genome-Nilou Lab
Classification: Uncertain significance for Microcephaly 5, primary, autosomal recessive. Last evaluated: 2023-04-11. Review status: criteria provided, single submitter. Criteria: ACMG Guidelines, 2015. Collection method: clinical testing. Allele origin: germline. Affected: no.

Fulgent Genetics
Classification: Uncertain significance for Microcephaly 5, primary, autosomal recessive. Last evaluated: 2018-10-31. Review status: criteria provided, single submitter. Criteria: ACMG Guidelines, 2015. Collection method: clinical testing. Allele origin: unknown.

Eurofins Ntd Llc (ga)
Classification: Uncertain significance. Last evaluated: 2016-09-30. Review status: criteria provided, single submitter. Criteria: EGL Classification Definitions 2015. Collection method: clinical testing. Allele origin: germline. Observed: 1 variant allele, 1 heterozygote.